The following is an entry in ClinVar:

NM_005591.4(MRE11):c.370A>G (p.Ser124Gly)

Gene: MRE11 (MRE11 double strand break repair nuclease; minus strand). Cytogenetic location: 11q21.
Variant type: single nucleotide variant.
Coding change: c.370A>G on transcript NM_005591.4 (MANE Select); coding-DNA position 370, A replaced by G.
Protein change: p.Ser124Gly; replaces serine 124 with glycine.
Molecular consequence: missense variant.
Genome position (GRCh38, 1-based): chr11:94,479,706, T>C on the plus strand (A>G on the coding strand, the complement: MRE11 is on the minus strand). VCF-style: chr11-94479706-T-C. GRCh37 (hg19) VCF-style: chr11-94212872-T-C.
Other names: c.370A>G, p.Ser124Gly (NM_001330347.2, NM_005590.4); short protein forms S124G.
Identifiers: ClinVar variation 824105 (VCV000824105.4), dbSNP rs1591708559, ClinGen allele CA382378398.

ClinVar aggregate classification (germline): Uncertain significance (1 of 4 stars; one submission).

Conditions:
Hereditary cancer-predisposing syndrome. Also called: Neoplastic Syndromes, Hereditary; Tumor predisposition; Hereditary neoplastic syndrome; Hereditary Cancer Syndrome. Identifiers: Orphanet 140162, MedGen C0027672, MeSH D009386, MONDO:0015356.

Allele frequency attached by ClinVar (database versions not stated): gnomAD exomes below 0.00001.
gnomAD v4.1: 4 of 1,613,196 alleles (0.00025%); highest among the groups gnomAD compares: Non-Finnish European, 0.00034%; no homozygotes.

Submission:

Ambry Genetics
Classification: Uncertain significance for Hereditary cancer-predisposing syndrome. Last evaluated: 2024-03-12. Review status: criteria provided, single submitter. Criteria: Ambry Variant Classification Scheme 2023. Collection method: clinical testing. Allele origin: germline.
Comment: The p.S124G variant (also known as c.370A>G), located in coding exon 4 of the MRE11A gene, results from an A to G substitution at nucleotide position 370. The serine at codon 124 is replaced by glycine, an amino acid with similar properties. This amino acid position is highly conserved in available vertebrate species. In addition, the in silico prediction for this alteration is inconclusive. Since supporting evidence is limited at this time, the clinical significance of this alteration remains unclear.